The following is an entry in ClinVar:

ClinVar aggregate classification (germline): Likely benign (1 of 4 stars; one submission).

gnomAD v4.1: 31 of 1,412,962 alleles (0.0022%); highest among the groups gnomAD compares: South Asian, 0.023%; no homozygotes.

Submission:

CeGaT Center for Human Genetics Tuebingen
Classification: Likely benign. Last evaluated: 2026-03-01. Review status: criteria provided, single submitter. Criteria: CeGaT Center For Human Genetics Tuebingen Variant Classification Criteria Version 2. Collection method: clinical testing. Allele origin: germline. Affected: yes. Observed: 2 variant alleles.
Comment: IRF2BPL: BP4, BP7

NM_024496.4(IRF2BPL):c.360G>A (p.Gln120=)

Gene: IRF2BPL (interferon regulatory factor 2 binding protein like; minus strand). Cytogenetic location: 14q24.3.
Variant type: single nucleotide variant.
Coding change: c.360G>A on transcript NM_024496.4 (MANE Select); coding-DNA position 360, G replaced by A.
Protein change: p.Gln120=; no amino-acid change (glutamine 120 retained).
Molecular consequence: synonymous variant.
Genome position (GRCh38, 1-based): chr14:77,027,433, C>T on the plus strand (G>A on the coding strand, the complement: IRF2BPL is on the minus strand). VCF-style: chr14-77027433-C-T. GRCh37 (hg19) VCF-style: chr14-77493776-C-T.
Identifiers: ClinVar variation 4083537 (VCV004083537.8).